The following is an entry in ClinVar:

NM_033380.3(COL4A5):c.546+1G>A

Gene: COL4A5 (collagen type IV alpha 5 chain; plus strand). Cytogenetic location: Xq22.3.
Variant type: single nucleotide variant.
Coding change: c.546+1G>A on transcript NM_033380.3 (MANE Select); the canonical splice donor site of the intron after coding-DNA position 546, G replaced by A.
Molecular consequence: splice donor variant.
Genome position (GRCh38, 1-based): chrX:108,573,655, G>A. VCF-style: chrX-108573655-G-A. GRCh37 (hg19) VCF-style: chrX-107816885-G-A.
Other names: NC_000023.10:g.107816885G>A; c.546+1G>A (NM_000495.5).
Identifiers: ClinVar variation 2584372 (VCV002584372.3), dbSNP rs104886429, ClinGen allele CA258265.
Genomic context (GRCh38, chrX:108,573,655, plus strand): 5'-ATGTCATCACTGCCAGGACCAAAGGGTAATCCAGGATATCCAGGTCCTCCTGGAATACAA[G>A]TAAGTATCCAGTGATTTTCTTTTTTTGCTATATTGATTAAACCAGAAGATTACAACAATC-3'

ClinVar aggregate classification (germline): Pathogenic/Likely pathogenic. Review status: criteria provided, multiple submitters, no conflicts (2 of 4 stars). 2 submissions from 2 submitters: Pathogenic (1); Likely pathogenic (1). Last evaluated 2024-10-18.

Conditions:
Inborn genetic diseases. Identifiers: MedGen C0950123, MeSH D030342.
X-linked Alport syndrome (ATS1). Also called: COL4A5-Related Nephropathy; NEPHROPATHY AND DEAFNESS, X-LINKED. Identifiers: Orphanet 63, Orphanet 88917, MedGen C4746986, MONDO:0010520, OMIM 301050.

Submissions (3):

Ambry Genetics
Classification: Likely pathogenic for Inborn genetic diseases. Last evaluated: 2024-10-18. Review status: criteria provided, single submitter. Criteria: Ambry Variant Classification Scheme 2023. Collection method: clinical testing. Allele origin: germline.
Comment: The c.546+1G>A intronic variant results from a G to A substitution one nucleotide after coding exon 9 of the COL4A5 gene. Alterations that disrupt the canonical splice site are expected to result in aberrant splicing. The resulting transcript is predicted to be in-frame and is not expected to trigger nonsense-mediated mRNAdecay; however, direct evidence is unavailable. The exact functional effect of the altered amino acid sequence is unknown; however, the impacted region is critical for protein function (Ambry internal data). This variant was not reported in population-based cohorts in the Genome Aggregation Database (gnomAD). This variant was reported in individuals with features consistent with X-linked Alport syndrome (Knebelmann,1996). This nucleotide position is highly conserved in available vertebrate species. In silico splice site analysis predicts that this alteration will weaken the native splice donor site. Based on the available evidence, this alteration is classified as likely pathogenic.

Institute of Human Genetics Munich, TUM University Hospital
Classification: Pathogenic for X-linked Alport syndrome. Last evaluated: 2023-06-21. Review status: criteria provided, single submitter. Criteria: Classification criteria August 2017. Collection method: clinical testing. Allele origin: germline. Inheritance: X-linked inheritance. Affected: yes. Observed: 1 variant allele.

Dr. Peter K. Rogan Lab, Western University
No classification provided (evidence only). Condition: Nonpapillary renal cell carcinoma. Review status: no classification provided. Collection method: in vitro. Allele origin: not applicable. Functional consequence: skipped exon, retained intron. Not counted in ClinVar's aggregate classification.

Literature cited by the submitters: PubMed 8940267 (cited by Ambry Genetics).